The following is an entry in ClinVar:

NM_001139.3(ALOX12B):c.769C>G (p.His257Asp)

Genes: ALOX12B (arachidonate 12-lipoxygenase, 12R type; minus strand), LOC130060196 (ATAC-STARR-seq lymphoblastoid active region 11660; plus strand). Cytogenetic location: 17p13.1.
Variant type: single nucleotide variant.
Coding change: c.769C>G on transcript NM_001139.3 (MANE Select); coding-DNA position 769, C replaced by G.
Protein change: p.His257Asp; replaces histidine 257 with aspartic acid.
Molecular consequence: missense variant.
Genome position (GRCh38, 1-based): chr17:8,079,927, G>C on the plus strand (C>G on the coding strand, the complement: ALOX12B is on the minus strand). VCF-style: chr17-8079927-G-C. GRCh37 (hg19) VCF-style: chr17-7983245-G-C.
Other names: short protein forms H257D.
Identifiers: ClinVar variation 995768 (VCV000995768.12), dbSNP rs1233776328, ClinGen allele CA397994577.

ClinVar aggregate classification (germline): Uncertain significance. Review status: criteria provided, multiple submitters, no conflicts (2 of 4 stars). 5 submissions from 5 submitters: Uncertain significance (2). 3 of the submissions do not count toward it. Last evaluated 2025-09-02.

Conditions:
Autosomal recessive congenital ichthyosis 2 (ARCI2). Identifiers: Orphanet 281122, Orphanet 79394, MedGen C3888093, MONDO:0009439, OMIM 242100.

Allele frequency attached by ClinVar (database versions not stated): gnomAD exomes below 0.00001.
gnomAD v4.1: 8 of 1,612,374 alleles (0.0005%); highest among the groups gnomAD compares: Non-Finnish European, 0.00059%; no homozygotes.

Submissions (5):

Labcorp Genetics (formerly Invitae), Labcorp
Classification: Uncertain significance. Last evaluated: 2025-09-02. Review status: criteria provided, single submitter. Criteria: Invitae Variant Classification Sherloc (09022015). Collection method: clinical testing. Allele origin: germline.
Comment: This sequence change replaces histidine, which is basic and polar, with aspartic acid, which is acidic and polar, at codon 257 of the ALOX12B protein (p.His257Asp). This variant is present in population databases (no rsID available, gnomAD 0.0009%). This missense change has been observed in individuals with congenital ichthyosis (PMID: 33435499; external communication, internal data). ClinVar contains an entry for this variant (Variation ID: 995768). Invitae Evidence Modeling of protein sequence and biophysical properties (such as structural, functional, and spatial information, amino acid conservation, physicochemical variation, residue mobility, and thermodynamic stability) has been performed for this missense variant. However, the output from this modeling did not meet the statistical confidence thresholds required to predict the impact of this variant on ALOX12B protein function. In summary, the available evidence is currently insufficient to determine the role of this variant in disease. Therefore, it has been classified as a Variant of Uncertain Significance.

Blueprint Genetics
Classification: Uncertain significance. Last evaluated: 2021-06-14. Review status: criteria provided, single submitter. Criteria: ACMG Guidelines, 2015. Collection method: clinical testing. Allele origin: germline.

Institute for Human Genetics, University Medical Center Freiburg
Classification: Pathogenic for Autosomal recessive congenital ichthyosis 2. Last evaluated: 2021-01-07. Review status: no assertion criteria provided. Collection method: clinical testing. Allele origin: unknown. Affected: yes. Not counted in ClinVar's aggregate classification.

Clinical Genetics DNA and cytogenetics Diagnostics Lab, Erasmus MC, Erasmus Medical Center
Classification: Likely pathogenic. Review status: no assertion criteria provided. Collection method: clinical testing. Allele origin: germline. Affected: yes. Study: VKGL Data-share Consensus. Not counted in ClinVar's aggregate classification.

Joint Genome Diagnostic Labs from Nijmegen and Maastricht, Radboudumc and MUMC+
Classification: Likely pathogenic. Review status: no assertion criteria provided. Collection method: clinical testing. Allele origin: germline. Affected: yes. Study: VKGL Data-share Consensus. Not counted in ClinVar's aggregate classification.

Literature cited by the submitters: PubMed 33435499 (cited by Labcorp Genetics (formerly Invitae), Labcorp).